The following is an entry in ClinVar:

ClinVar aggregate classification (germline): Likely benign (1 of 4 stars; one submission).

Conditions:
RAC3-related disorder. Also called: RAC3-related condition.

gnomAD v4.1: 48 of 1,612,326 alleles (0.003%); highest among the groups gnomAD compares: African/African-American, 0.0067%; no homozygotes.

Submission:

PreventionGenetics, part of Exact Sciences
Classification: Likely benign for RAC3-related condition. Last evaluated: 2026-04-20. Review status: criteria provided, single submitter. Criteria: ACMG Guidelines, 2015. Collection method: clinical testing. Allele origin: germline.
Comment: This variant is classified as likely benign based on ACMG/AMP sequence variant interpretation guidelines (Richards et al. 2015 PMID: 25741868, with internal and published modifications).

NM_005052.3(RAC3):c.525G>A (p.Ala175=)

Gene: RAC3 (Rac family small GTPase 3; plus strand). Cytogenetic location: 17q25.3.
Variant type: single nucleotide variant.
Coding change: c.525G>A on transcript NM_005052.3 (MANE Select); coding-DNA position 525, G replaced by A.
Protein change: p.Ala175=; no amino-acid change (alanine 175 retained).
Molecular consequence: synonymous variant. On other transcripts: 3 prime UTR variant (1).
Genome position (GRCh38, 1-based): chr17:82,033,775, G>A. VCF-style: chr17-82033775-G-A. GRCh37 (hg19) VCF-style: chr17-79991651-G-A.
Other names: c.*16G>A (NM_001316307.2).
Identifiers: ClinVar variation 4988944 (VCV004988944.1).